The following is an entry in ClinVar:

NM_015272.5(RPGRIP1L):c.1833C>T (p.Ile611=)

Gene: RPGRIP1L (RPGRIP1 like; minus strand). Cytogenetic location: 16q12.2.
Variant type: single nucleotide variant.
Coding change: c.1833C>T on transcript NM_015272.5 (MANE Select); coding-DNA position 1833, C replaced by T.
Protein change: p.Ile611=; no amino-acid change (isoleucine 611 retained).
Molecular consequence: synonymous variant.
Genome position (GRCh38, 1-based): chr16:53,652,854, G>A on the plus strand (C>T on the coding strand, the complement: RPGRIP1L is on the minus strand). VCF-style: chr16-53652854-G-A. GRCh37 (hg19) VCF-style: chr16-53686766-G-A.
Other names: c.1833C>T, p.Ile611= (NM_001127897.4, NM_001308334.3, NM_001330538.2); c.1833C>T (NM_015272.4).
Identifiers: ClinVar variation 1094355 (VCV001094355.10), dbSNP rs756141067, ClinGen allele CA495784630.

ClinVar aggregate classification (germline): Conflicting classifications of pathogenicity. Review status: criteria provided, conflicting classifications (1 of 4 stars). 2 submissions from 2 submitters: Uncertain significance (1); Likely benign (1). Last evaluated 2026-06-16.

Conditions:
RPGRIP1L-related disorder. Also called: RPGRIP1L-related disorders; RPGRIP1L-related condition. Identifiers: MedGen CN239416.
Meckel-Gruber syndrome. Also called: Dysencephalia splachnocystica; DYSENCEPHALIA SPLANCHNOCYSTICA; GRUBER SYNDROME. Identifiers: Orphanet 564, MedGen C0265215, MONDO:0018921.
Joubert syndrome. Also called: JOUBERT-BOLTSHAUSER SYNDROME; Familial aplasia of the vermis. Identifiers: Orphanet 475, MedGen C5979921, MONDO:0018772.

Submissions (2):

PreventionGenetics, part of Exact Sciences
Classification: Uncertain significance for RPGRIP1L-related condition. Last evaluated: 2026-06-16. Review status: criteria provided, single submitter. Criteria: ACMG Guidelines, 2015. Collection method: clinical testing. Allele origin: germline.
Comment: The RPGRIP1L c.1833C>T variant is not predicted to result in an amino acid change (p.=). This variant is predicted to impact splicing based on an available splicing prediction program (SpliceAI, Jaganathan et al. 2019. PubMed ID: 30661751). However, the use of computer prediction programs is not equivalent to functional evidence. To our knowledge, this variant has not been reported in the literature. This variant is reported in 1 allele in gnomAD. At this time, the clinical significance of this variant is uncertain due to the absence of conclusive functional and genetic evidence.

Labcorp Genetics (formerly Invitae), Labcorp
Classification: Likely benign for Joubert syndrome; Meckel-Gruber syndrome. Last evaluated: 2025-05-05. Review status: criteria provided, single submitter. Criteria: Invitae Variant Classification Sherloc (09022015). Collection method: clinical testing. Allele origin: germline.